The following is an entry in ClinVar:

ClinVar aggregate classification (germline): Uncertain significance. Review status: criteria provided, multiple submitters, no conflicts (2 of 4 stars). 3 submissions from 3 submitters: Uncertain significance (3). Last evaluated 2026-04-28.

Conditions:
Inborn genetic diseases. Identifiers: MedGen C0950123, MeSH D030342.
Autosomal recessive hypophosphatemic bone disease (HHRH). Also called: HYPERCALCIURIC RICKETS; Hypophosphatemic rickets with hypercalciuria. Identifiers: Orphanet 157215, MedGen C1853271, MONDO:0009431, OMIM 241530.

Allele frequency attached by ClinVar (database versions not stated): TOPMed 0.00001; gnomAD exomes below 0.00001; ExAC 0.00001; gnomAD 0.00001.
gnomAD v4.1: 8 of 1,607,398 alleles (0.0005%); highest among the groups gnomAD compares: East Asian, 0.0045%; no homozygotes.

Submissions (3):

Ambry Genetics
Classification: Uncertain significance for Inborn genetic diseases. Last evaluated: 2026-04-28. Review status: criteria provided, single submitter. Criteria: Ambry Variant Classification Scheme 2023. Collection method: clinical testing. Allele origin: germline.

Labcorp Genetics (formerly Invitae), Labcorp
Classification: Uncertain significance. Last evaluated: 2025-12-08. Review status: criteria provided, single submitter. Criteria: Invitae Variant Classification Sherloc (09022015). Collection method: clinical testing. Allele origin: germline.
Comment: This sequence change replaces glycine, which is neutral and non-polar, with serine, which is neutral and polar, at codon 290 of the SLC34A3 protein (p.Gly290Ser). This variant is not present in population databases (gnomAD no frequency). This variant has not been reported in the literature in individuals affected with SLC34A3-related conditions. ClinVar contains an entry for this variant (Variation ID: 1384273). Invitae Evidence Modeling of protein sequence and biophysical properties (such as structural, functional, and spatial information, amino acid conservation, physicochemical variation, residue mobility, and thermodynamic stability) indicates that this missense variant is not expected to disrupt SLC34A3 protein function with a negative predictive value of 80%. In summary, the available evidence is currently insufficient to determine the role of this variant in disease. Therefore, it has been classified as a Variant of Uncertain Significance.

Fulgent Genetics
Classification: Uncertain significance for Autosomal recessive hypophosphatemic bone disease. Last evaluated: 2022-05-24. Review status: criteria provided, single submitter. Criteria: ACMG Guidelines, 2015. Collection method: clinical testing. Allele origin: unknown.

NM_001177316.2(SLC34A3):c.868G>A (p.Gly290Ser)

Gene: SLC34A3 (solute carrier family 34 member 3; plus strand). Cytogenetic location: 9q34.3.
Variant type: single nucleotide variant.
Coding change: c.868G>A on transcript NM_001177316.2 (MANE Select); coding-DNA position 868, G replaced by A.
Protein change: p.Gly290Ser; replaces glycine 290 with serine.
Molecular consequence: missense variant.
Genome position (GRCh38, 1-based): chr9:137,233,884, G>A. VCF-style: chr9-137233884-G-A. GRCh37 (hg19) VCF-style: chr9-140128336-G-A.
Other names: c.868G>A, p.Gly290Ser (NM_001177317.2, NM_080877.3); short protein forms G290S.
Identifiers: ClinVar variation 1384273 (VCV001384273.7), dbSNP rs758514484, ClinGen allele CA5364637.